The following is an entry in ClinVar:

ClinVar aggregate classification (germline): Uncertain significance (1 of 4 stars; one submission).

Conditions:
Inborn genetic diseases. Identifiers: MedGen C0950123, MeSH D030342.

Submission:

Ambry Genetics
Classification: Uncertain significance for Inborn genetic diseases. Last evaluated: 2025-10-12. Review status: criteria provided, single submitter. Criteria: Ambry Variant Classification Scheme 2023. Collection method: clinical testing. Allele origin: germline.
Comment: The p.P814R variant (also known as c.2441C>G), located in coding exon 20 of the KDM1A gene, results from a C to G substitution at nucleotide position 2441. The proline at codon 814 is replaced by arginine, an amino acid with dissimilar properties. This amino acid position is conserved. In addition, this alteration is predicted to be tolerated by in silico analysis. Based on the available evidence, the clinical significance of this variant remains unclear.

NM_001009999.3(KDM1A):c.2441C>G (p.Pro814Arg)

Gene: KDM1A (lysine demethylase 1A; plus strand). Cytogenetic location: 1p36.12.
Variant type: single nucleotide variant.
Coding change: c.2441C>G on transcript NM_001009999.3 (MANE Select); coding-DNA position 2441, C replaced by G.
Protein change: p.Pro814Arg; replaces proline 814 with arginine.
Molecular consequence: missense variant.
Genome position (GRCh38, 1-based): chr1:23,082,362, C>G. VCF-style: chr1-23082362-C-G. GRCh37 (hg19) VCF-style: chr1-23408855-C-G.
Other names: c.2387C>G, p.Pro796Arg (NM_001363654.2); c.2447C>G, p.Pro816Arg (NM_001410762.1); c.2369C>G, p.Pro790Arg (NM_001410763.1, NM_015013.4); short protein forms P816R, P790R, P796R, P814R.
Identifiers: ClinVar variation 4622674 (VCV004622674.1).